The following is an entry in ClinVar:

NM_021922.3(FANCE):c.533T>G (p.Leu178Trp)

Gene: FANCE (FA complementation group E; plus strand). Cytogenetic location: 6p21.31.
Variant type: single nucleotide variant.
Coding change: c.533T>G on transcript NM_021922.3 (MANE Select); coding-DNA position 533, T replaced by G.
Protein change: p.Leu178Trp; replaces leucine 178 with tryptophan.
Molecular consequence: missense variant.
Genome position (GRCh38, 1-based): chr6:35,456,031, T>G. VCF-style: chr6-35456031-T-G. GRCh37 (hg19) VCF-style: chr6-35423808-T-G.
Other names: short protein forms L178W.
Identifiers: ClinVar variation 1404192 (VCV001404192.7), dbSNP rs764017469, ClinGen allele CA3771432.

ClinVar aggregate classification (germline): Uncertain significance. Review status: criteria provided, multiple submitters, no conflicts (2 of 4 stars). 2 submissions from 2 submitters: Uncertain significance (2). Last evaluated 2024-01-06.

Conditions:
Fanconi anemia complementation group E (FANCE). Also called: FANCE-Related Fanconi Anemia. Identifiers: Orphanet 84, MedGen C3160739, MONDO:0010953, OMIM 600901.

Allele frequency attached by ClinVar (database versions not stated): gnomAD exomes below 0.00001 and 0.00001; ExAC 0.00001; gnomAD 0.00001.
gnomAD v4.1: 3 of 1,612,566 alleles (0.00019%); highest among the groups gnomAD compares: Admixed American, 0.005%; no homozygotes.

Submissions (2):

Fulgent Genetics
Classification: Uncertain significance for Fanconi anemia complementation group E. Last evaluated: 2024-01-06. Review status: criteria provided, single submitter. Criteria: ACMG Guidelines, 2015. Collection method: clinical testing. Allele origin: germline.

Labcorp Genetics (formerly Invitae), Labcorp
Classification: Uncertain significance for Fanconi anemia complementation group E. Last evaluated: 2021-09-17. Review status: criteria provided, single submitter. Criteria: Invitae Variant Classification Sherloc (09022015). Collection method: clinical testing. Allele origin: germline.
Comment: This sequence change replaces leucine with tryptophan at codon 178 of the FANCE protein (p.Leu178Trp). The leucine residue is moderately conserved and there is a small physicochemical difference between leucine and tryptophan. This variant is present in population databases (rs764017469, ExAC 0.009%). This variant has not been reported in the literature in individuals affected with FANCE-related conditions. Algorithms developed to predict the effect of missense changes on protein structure and function are either unavailable or do not agree on the potential impact of this missense change (SIFT: "Tolerated"; PolyPhen-2: "Probably Damaging"; Align-GVGD: "Class C0"). In summary, the available evidence is currently insufficient to determine the role of this variant in disease. Therefore, it has been classified as a Variant of Uncertain Significance.